The following continues an entry in ClinVar:

NM_000487.6(ARSA):c.465+1G>A

Gene: ARSA. ClinVar aggregate classification (germline): Pathogenic. Pathogenic (40).

Submissions 50 to 56 of 56:

Dr. Peter K. Rogan Lab, Western University
No classification provided (evidence only). Condition: Acute myeloid leukemia. Review status: no classification provided. Collection method: in vitro. Allele origin: not applicable. Functional consequence: retained intron. Not counted in ClinVar's aggregate classification.

Dr. Peter K. Rogan Lab, Western University
No classification provided (evidence only). Condition: Thymoma. Review status: no classification provided. Collection method: in vitro. Allele origin: not applicable. Functional consequence: retained intron. Not counted in ClinVar's aggregate classification.

Dr. Peter K. Rogan Lab, Western University
No classification provided (evidence only). Condition: Thymoma. Review status: no classification provided. Collection method: in vitro. Allele origin: not applicable. Functional consequence: retained intron. Not counted in ClinVar's aggregate classification.

GeneReviews
No classification provided. Condition: Metachromatic leukodystrophy. Review status: no classification provided. Collection method: literature only. Allele origin: germline. Not counted in ClinVar's aggregate classification.

Genome Diagnostics Laboratory, University Medical Center Utrecht
Classification: Pathogenic. Review status: no assertion criteria provided. Collection method: clinical testing. Allele origin: germline. Affected: yes. Study: VKGL Data-share Consensus. Not counted in ClinVar's aggregate classification.

Laboratory of Diagnostic Genome Analysis, Leiden University Medical Center (LUMC)
Classification: Pathogenic. Review status: no assertion criteria provided. Collection method: clinical testing. Allele origin: germline. Affected: yes. Study: VKGL Data-share Consensus. Not counted in ClinVar's aggregate classification.

Centre de Biologie Pathologie Génétique, Centre Hospitalier Universitaire de Lille
Classification: Uncertain significance for Intellectual disability. Last evaluated: 2019-01-01. Review status: flagged submission. Collection method: clinical testing. Allele origin: unknown. Affected: yes. Not counted in ClinVar's aggregate classification.
ClinVar note: Reason: Outlier claim with insufficient supporting evidence

Literature cited by the submitters: PubMed 28923328 (cited by Victorian Clinical Genetics Services, Murdoch Childrens Research Institute); PubMed 1670590 (cited by 9 submitters); PubMed 7825603 (cited by 3 submitters); PubMed 9090526 (cited by 4 submitters); PubMed 11456299 (cited by 3 submitters); PubMed 18786133 (cited by 3 submitters); PubMed 26462614 (cited by Ambry Genetics and Labcorp Genetics (formerly Invitae), Labcorp); PubMed 28762252 (cited by Dasa); PubMed 26553228 (cited by Dasa); PubMed 26131420 (cited by Dasa); PubMed 16199547 (cited by Labcorp Genetics (formerly Invitae), Labcorp); PubMed 8962139 (cited by Labcorp Genetics (formerly Invitae), Labcorp); PubMed 10477432 (cited by Labcorp Genetics (formerly Invitae), Labcorp); PubMed 9600244 (cited by Labcorp Genetics (formerly Invitae), Labcorp and OMIM); PubMed 21167507 (cited by 3 submitters); PubMed 31186049 (cited by Natera, Inc.); PubMed 8095918 (cited by Myriad Genetics, Inc. and OMIM); PubMed 8455580 (cited by Illumina Laboratory Services, Illumina); PubMed 9096767 (cited by Illumina Laboratory Services, Illumina); PubMed 15952986 (cited by Illumina Laboratory Services, Illumina); PubMed 20301309 (cited by Illumina Laboratory Services, Illumina); PubMed 7815434 (cited by Women's Health and Genetics/Laboratory Corporation of America, LabCorp); PubMed 1671769 (cited by OMIM); NCBI Bookshelf NBK1130 (cited by GeneReviews); NCBI Bookshelf NBK9090526 (cited by GeneReviews); NCBI Bookshelf NBK15952986 (cited by GeneReviews); NCBI Bookshelf NBK16140556 (cited by GeneReviews); NCBI Bookshelf NBK9096767 (cited by GeneReviews); NCBI Bookshelf NBK1670590 (cited by GeneReviews); NCBI Bookshelf NBK19606494 (cited by GeneReviews); NCBI Bookshelf NBK8455580 (cited by GeneReviews).